The following is an entry in ClinVar:

NM_138691.3(TMC1):c.653G>T (p.Gly218Val)

Gene: TMC1 (transmembrane channel like 1; plus strand). Cytogenetic location: 9q21.13.
Variant type: single nucleotide variant.
Coding change: c.653G>T on transcript NM_138691.3 (MANE Select); coding-DNA position 653, G replaced by T.
Protein change: p.Gly218Val; replaces glycine 218 with valine.
Molecular consequence: missense variant.
Genome position (GRCh38, 1-based): chr9:72,754,796, G>T. VCF-style: chr9-72754796-G-T. GRCh37 (hg19) VCF-style: chr9-75369712-G-T.
Other names: short protein forms G218V.
Identifiers: ClinVar variation 3767330 (VCV003767330.1).

ClinVar aggregate classification (germline): Likely pathogenic (1 of 4 stars; one submission).

Conditions:
Autosomal recessive nonsyndromic hearing loss 7. Also called: DEAFNESS, AUTOSOMAL RECESSIVE 11. Identifiers: Orphanet 90636, MedGen C1832978, MONDO:0010967, OMIM 600974.

Submission:

Wonkam Laboratory, Johns Hopkins University
Classification: Likely pathogenic for Autosomal recessive nonsyndromic hearing loss 7. Last evaluated: 2024-01-06. Review status: criteria provided, single submitter. Criteria: ACMG Guidelines, 2015. Collection method: research. Allele origin: germline. Inheritance: Autosomal dominant inheritance. Affected: yes. Observed: 3 variant alleles. Clinical features observed: Profound nonsyndromic hearing loss.
Comment: This variant TMC1 c.653G>T (NM_138691.2) is Located in a mutational hot spot and/or critical and well-established functional domain (e.g., active site of an enzyme) without benign variation (PM1), the variant is absent from controls (or at extremely low frequency if recessive) in Exome Sequencing Project, 1000 Genomes Project, or Exome Aggregation Consortium (PM2), Cosegregation with disease in multiple affected family members in a gene definitively known to cause the disease (PP1)